The following is an entry in ClinVar:

NM_177438.3(DICER1):c.3634C>A (p.Gln1212Lys)

Gene: DICER1 (dicer 1, ribonuclease III; minus strand). Cytogenetic location: 14q32.13.
Variant type: single nucleotide variant.
Coding change: c.3634C>A on transcript NM_177438.3 (MANE Select); coding-DNA position 3634, C replaced by A.
Protein change: p.Gln1212Lys; replaces glutamine 1212 with lysine.
Molecular consequence: missense variant. On other transcripts: non-coding transcript variant (6).
Genome position (GRCh38, 1-based): chr14:95,103,762, G>T on the plus strand (C>A on the coding strand, the complement: DICER1 is on the minus strand). VCF-style: chr14-95103762-G-T. GRCh37 (hg19) VCF-style: chr14-95570099-G-T.
Other names: c.3634C>A, p.Gln1212Lys (NM_001195573.1, NM_001271282.3, NM_001291628.2 and 12 more transcripts); c.3352C>A, p.Gln1118Lys (NM_001395686.1); c.3229C>A, p.Gln1077Lys (NM_001395687.1, NM_001395688.1, NM_001395689.1 and 2 more transcripts); c.3067C>A, p.Gln1023Lys (NM_001395691.1); c.1951C>A, p.Gln651Lys (NM_001395697.1); short protein forms Q1077K, Q1212K, Q1023K, Q651K, Q1118K.
Identifiers: ClinVar variation 4637116 (VCV004637116.1).

ClinVar aggregate classification (germline): Uncertain significance (1 of 4 stars; one submission).

Conditions:
Hereditary cancer-predisposing syndrome. Also called: Neoplastic Syndromes, Hereditary; Tumor predisposition; Hereditary Cancer Syndrome; Hereditary neoplastic syndrome. Identifiers: Orphanet 140162, MedGen C0027672, MeSH D009386, MONDO:0015356.

Submission:

Ambry Genetics
Classification: Uncertain significance for Hereditary cancer-predisposing syndrome. Last evaluated: 2025-10-11. Review status: criteria provided, single submitter. Criteria: Ambry Variant Classification Scheme 2023. Collection method: clinical testing. Allele origin: germline.
Comment: The p.Q1212K variant (also known as c.3634C>A), located in coding exon 20 of the DICER1 gene, results from a C to A substitution at nucleotide position 3634. The glutamine at codon 1212 is replaced by lysine, an amino acid with similar properties. This amino acid position is conserved. In addition, the in silico prediction for this alteration is inconclusive. Based on the available evidence, the clinical significance of this variant remains unclear.